The following is an entry in ClinVar:

ClinVar aggregate classification (germline): Uncertain significance. Review status: criteria provided, multiple submitters, no conflicts (2 of 4 stars). 2 submissions from 2 submitters: Uncertain significance (2). Last evaluated 2025-07-14.

Submissions (2):

Dasa
Classification: Uncertain significance. Last evaluated: 2025-07-14. Review status: criteria provided, single submitter. Criteria: DASA Assertion Criteria. Collection method: clinical testing. Allele origin: germline.
Comment: NM_005263.5(GFI1):c.314T>C (p.Met105Thr) is a missense variant that results in the substitution of methionine with threonine. This variant is absent from population databases. Computational prediction algorithms are consistent with a benign effect. The currently available literature and clinical evidence are not sufficient to establish a definitive association between this variant and the reported condition. Therefore, this variant is classified as a variant of uncertain significance.

Ambry Genetics
Classification: Uncertain significance. Last evaluated: 2024-11-25. Review status: criteria provided, single submitter. Criteria: Ambry Variant Classification Scheme 2023. Collection method: clinical testing. Allele origin: germline.
Comment: The p.M105T variant (also known as c.314T>C), located in coding exon 3 of the GFI1 gene, results from a T to C substitution at nucleotide position 314. The methionine at codon 105 is replaced by threonine, an amino acid with similar properties. This amino acid position is conserved. In addition, this alteration is predicted to be tolerated by in silico analysis. Based on the available evidence, the clinical significance of this variant remains unclear.

NM_005263.5(GFI1):c.314T>C (p.Met105Thr)

Gene: GFI1 (growth factor independent 1 transcriptional repressor; minus strand). Cytogenetic location: 1p22.1.
Variant type: single nucleotide variant.
Coding change: c.314T>C on transcript NM_005263.5 (MANE Select); coding-DNA position 314, T replaced by C.
Protein change: p.Met105Thr; replaces methionine 105 with threonine.
Molecular consequence: missense variant.
Genome position (GRCh38, 1-based): chr1:92,481,073, A>G on the plus strand (T>C on the coding strand, the complement: GFI1 is on the minus strand). VCF-style: chr1-92481073-A-G. GRCh37 (hg19) VCF-style: chr1-92946630-A-G.
Other names: c.314T>C, p.Met105Thr (NM_001127215.3, NM_001127216.3); short protein forms M105T.
Identifiers: ClinVar variation 3519833 (VCV003519833.3).